The following is an entry in ClinVar:

NM_152305.3(POGLUT1):c.85+132C>T

Gene: POGLUT1 (protein O-glucosyltransferase 1; plus strand). Cytogenetic location: 3q13.33.
Variant type: single nucleotide variant.
Coding change: c.85+132C>T on transcript NM_152305.3 (MANE Select); 132 bases into the intron after coding-DNA position 85, C replaced by T.
Molecular consequence: intron variant.
Genome position (GRCh38, 1-based): chr3:119,469,238, C>T. VCF-style: chr3-119469238-C-T. GRCh37 (hg19) VCF-style: chr3-119188085-C-T.
Identifiers: ClinVar variation 1325988 (VCV001325988.27), dbSNP rs530616432, ClinGen allele CA2554735.

ClinVar aggregate classification (germline): Likely benign. Review status: criteria provided, multiple submitters, no conflicts (2 of 4 stars). 3 submissions from 3 submitters: Likely benign (3). Last evaluated 2023-05-01.

Allele frequency attached by ClinVar (database versions not stated): 1000 Genomes Project 0.00100; 1000 Genomes Project 30x 0.00125; gnomAD 0.00458 and 0.00466; gnomAD exomes 0.00495; TOPMed 0.00496; ExAC 0.00602.
gnomAD v4.1: 3,666 of 711,378 alleles (0.52%); highest among the groups gnomAD compares: Non-Finnish European, 0.7%; 12 homozygotes.

Submissions (3):

CeGaT Center for Human Genetics Tuebingen
Classification: Likely benign. Last evaluated: 2023-05-01. Review status: criteria provided, single submitter. Criteria: CeGaT Center For Human Genetics Tuebingen Variant Classification Criteria Version 2. Collection method: clinical testing. Allele origin: germline. Affected: yes. Observed: 2 variant alleles.
Comment: POGLUT1: BS2

GeneDx
Classification: Likely benign. Last evaluated: 2021-05-22. Review status: criteria provided, single submitter. Criteria: GeneDx Variant Classification Process June 2021. Collection method: clinical testing. Allele origin: germline. Affected: yes.

Breakthrough Genomics
Classification: Likely benign. Review status: criteria provided, single submitter. Criteria: ACMG Guidelines, 2015. Collection method: not provided. Allele origin: germline. Inheritance: Autosomal recessive inheritance. Affected: yes.